The following is an entry in ClinVar:

ClinVar aggregate classification (germline): Uncertain significance (1 of 4 stars; one submission).

Conditions:
Neurofibromatosis, type 1 (NF1). Also called: VON RECKLINGHAUSEN DISEASE; NEUROFIBROMATOSIS, TYPE I, SOMATIC; Peripheral type neurofibromatosis; Neurofibromatosis, type I. Identifiers: Orphanet 636, MedGen C0027831, MONDO:0018975, OMIM 162200. Disease mechanism: loss of function.

Submission:

Labcorp Genetics (formerly Invitae), Labcorp
Classification: Uncertain significance for Neurofibromatosis, type 1. Last evaluated: 2022-07-23. Review status: criteria provided, single submitter. Criteria: Invitae Variant Classification Sherloc (09022015). Collection method: clinical testing. Allele origin: germline.
Comment: In summary, the available evidence is currently insufficient to determine the role of this variant in disease. Therefore, it has been classified as a Variant of Uncertain Significance. This sequence change replaces methionine, which is neutral and non-polar, with threonine, which is neutral and polar, at codon 1518 of the NF1 protein (p.Met1518Thr). This variant is not present in population databases (gnomAD no frequency). This variant has not been reported in the literature in individuals affected with NF1-related conditions. ClinVar contains an entry for this variant (Variation ID: 565568). Advanced modeling of protein sequence and biophysical properties (such as structural, functional, and spatial information, amino acid conservation, physicochemical variation, residue mobility, and thermodynamic stability) performed at Invitae indicates that this missense variant is expected to disrupt NF1 protein function.

NM_001042492.3(NF1):c.4616T>C (p.Met1539Thr)

Gene: NF1 (neurofibromin 1; plus strand). Cytogenetic location: 17q11.2.
Variant type: single nucleotide variant.
Coding change: c.4616T>C on transcript NM_001042492.3 (MANE Select); coding-DNA position 4616, T replaced by C.
Protein change: p.Met1539Thr; replaces methionine 1539 with threonine.
Molecular consequence: missense variant.
Genome position (GRCh38, 1-based): chr17:31,261,749, T>C. VCF-style: chr17-31261749-T-C. GRCh37 (hg19) VCF-style: chr17-29588767-T-C.
Other names: c.4553T>C, p.Met1518Thr (NM_000267.4); short protein forms M1539T, M1518T.
Identifiers: ClinVar variation 565568 (VCV000565568.5), dbSNP rs1567863578, ClinGen allele CA399000232.